The following is an entry in ClinVar:

ClinVar aggregate classification (germline): Conflicting classifications of pathogenicity. Review status: criteria provided, conflicting classifications (1 of 4 stars). 3 submissions from 3 submitters: Uncertain significance (2); Benign (1). Last evaluated 2024-08-20.

Allele frequency attached by ClinVar (database versions not stated): gnomAD 0.00005 and 0.00006; ExAC 0.00007; gnomAD exomes 0.00009 and 0.00012; ESP Exome Variant Server 0.00023.
gnomAD v4.1: 179 of 1,613,910 alleles (0.011%); highest among the groups gnomAD compares: South Asian, 0.018%; no homozygotes.

Submissions (3):

Ambry Genetics
Classification: Uncertain significance. Last evaluated: 2024-08-20. Review status: criteria provided, single submitter. Criteria: Ambry Variant Classification Scheme 2023. Collection method: clinical testing. Allele origin: germline.

Labcorp Genetics (formerly Invitae), Labcorp
Classification: Uncertain significance. Last evaluated: 2024-08-20. Review status: criteria provided, single submitter. Criteria: Invitae Variant Classification Sherloc (09022015). Collection method: clinical testing. Allele origin: germline.
Comment: This sequence change replaces arginine, which is basic and polar, with histidine, which is basic and polar, at codon 46 of the ADGRE2 protein (p.Arg46His). The frequency data for this variant in the population databases is considered unreliable, as metrics indicate poor data quality at this position in the gnomAD database. This variant has not been reported in the literature in individuals affected with ADGRE2-related conditions. ClinVar contains an entry for this variant (Variation ID: 1686352). An algorithm developed to predict the effect of missense changes on protein structure and function outputs the following: PolyPhen-2: "Benign". The histidine amino acid residue is found in multiple mammalian species, which suggests that this missense change does not adversely affect protein function. In summary, the available evidence is currently insufficient to determine the role of this variant in disease. Therefore, it has been classified as a Variant of Uncertain Significance.

Mendelics
Classification: Benign. Last evaluated: 2022-05-04. Review status: criteria provided, single submitter. Criteria: Mendelics Assertion Criteria 2019. Collection method: clinical testing. Allele origin: germline.

NM_013447.4(ADGRE2):c.137G>A (p.Arg46His)

Gene: ADGRE2 (adhesion G protein-coupled receptor E2; minus strand). Cytogenetic location: 19p13.12.
Variant type: single nucleotide variant.
Coding change: c.137G>A on transcript NM_013447.4 (MANE Select); coding-DNA position 137, G replaced by A.
Protein change: p.Arg46His; replaces arginine 46 with histidine.
Molecular consequence: missense variant.
Genome position (GRCh38, 1-based): chr19:14,774,000, C>T on the plus strand (G>A on the coding strand, the complement: ADGRE2 is on the minus strand). VCF-style: chr19-14774000-C-T. GRCh37 (hg19) VCF-style: chr19-14884812-C-T.
Other names: c.137G>A, p.Arg46His (NM_001271052.1); c.137G>A (NM_013447.2); short protein forms R46H.
Identifiers: ClinVar variation 1686352 (VCV001686352.8), dbSNP rs142343910, ClinGen allele CA9258295.